The following is an entry in ClinVar:

NM_000038.6(APC):c.5348del (p.Thr1783fs)

Gene: APC (APC regulator of Wnt signaling pathway; plus strand). Cytogenetic location: 5q22.2.
Variant type: Deletion.
Coding change: c.5348del on transcript NM_000038.6 (MANE Select); coding-DNA position 5348, one base deleted (C; older notation c.5348delC).
Protein change: p.Thr1783fs; shifts the reading frame from threonine 1783.
Molecular consequence: frameshift variant. On other transcripts: non-coding transcript variant (2).
Genome position (GRCh38, 1-based): chr5:112,840,942, C deleted. VCF-style (leftmost placement, unchanged base first): chr5-112840941-AC-A. GRCh37 (hg19) VCF-style: chr5-112176638-AC-A.
Other names: c.5348del, p.Thr1783fs (NM_001127510.3, NM_001354895.2, NM_001407450.1); c.5294del, p.Thr1765fs (NM_001127511.3); c.5402del, p.Thr1801fs (NM_001354896.2, NM_001407447.1, NM_001407448.1 and 1 more transcripts); c.5378del, p.Thr1793fs (NM_001354897.2); c.5273del, p.Thr1758fs (NM_001354898.2); c.5264del, p.Thr1755fs (NM_001354899.2); c.5225del, p.Thr1742fs (NM_001354900.2); c.5171del, p.Thr1724fs (NM_001354901.2, NM_001407453.1); and 11 more; short protein forms T1700fs, T1724fs, T1742fs, T1755fs, T1758fs, T1765fs, T1773fs, T1776fs.
Identifiers: ClinVar variation 2584280 (VCV002584280.1), dbSNP rs2533638306, ClinGen allele CA2582341433.
Genomic context (GRCh38, chr5:112,840,941, plus strand): 5'-AATCAGTTAGATGGTAAGAAAAAGAAACCAACTTCACCAGTAAAACCTATACCACAAAAT[AC>A]TGAATATAGGACACGTGTAAGAAAAAATGCAGACTCAAAAAATAATTTAAATGCTGAGAG-3'

ClinVar aggregate classification (germline): Pathogenic (1 of 4 stars; one submission).

Conditions:
Familial adenomatous polyposis 1 (FAP1). Also called: FAMILIAL ADENOMATOUS POLYPOSIS 1, ATTENUATED; POLYPOSIS, ADENOMATOUS INTESTINAL. Identifiers: MedGen C2713442, MONDO:0021056, OMIM 175100. Disease mechanism: loss of function.

Submission:

Myriad Genetics, Inc.
Classification: Pathogenic for Familial adenomatous polyposis 1. Last evaluated: 2023-05-12. Review status: criteria provided, single submitter. Criteria: Myriad Autosomal Dominant, Autosomal Recessive and X-Linked Classification Criteria (2023). Collection method: clinical testing. Allele origin: unknown.
Comment: This variant is considered pathogenic. This variant creates a frameshift predicted to result in premature protein truncation.